The following is an entry in ClinVar:

ClinVar aggregate classification (germline): Likely benign. Review status: criteria provided, single submitter (1 of 4 stars). 2 submissions from 1 submitter: Likely benign (2). Last evaluated 2018-01-13.

Conditions:
Susceptibility to mononeuropathy of the median nerve, mild. Also called: CARPAL TUNNEL SYNDROME, SUSCEPTIBILITY TO. Identifiers: MedGen C3150596, MONDO:0013237, OMIM 613353.
Charcot-Marie-Tooth disease type 4C (CMT4C). Also called: CHARCOT-MARIE-TOOTH DISEASE, DEMYELINATING, AUTOSOMAL RECESSIVE, TYPE 4C; CMT 4C; Charcot-Marie-Tooth Neuropathy Type 4C (CMT4C); CHARCOT-MARIE-TOOTH DISEASE, DEMYELINATING, TYPE 4C; SH3TC2-Related Hereditary Motor and Sensory Neuropathy. Identifiers: Orphanet 99949, MedGen C1866636, MONDO:0011113, OMIM 601596.

Allele frequency attached by ClinVar (database versions not stated): gnomAD 0.00001 and 0.00044; 1000 Genomes Project 0.00200; 1000 Genomes Project 30x 0.00219.
gnomAD v4.1: 66 of 152,344 alleles (0.043%); highest among the groups gnomAD compares: South Asian, 1.3%; no homozygotes.

Submissions (2):

Illumina Laboratory Services, Illumina
Classification: Likely benign for Susceptibility to mononeuropathy of the median nerve, mild. Last evaluated: 2018-01-13. Review status: criteria provided, single submitter. Criteria: ICSL Variant Classification Criteria 13 December 2019. Collection method: clinical testing. Allele origin: germline.
Comment: This variant was observed in the ICSL laboratory as part of a predisposition screen in an ostensibly healthy population. It had not been previously curated by ICSL or reported in the Human Gene Mutation Database (HGMD: prior to June 1st, 2018), and was therefore a candidate for classification through an automated scoring system. Utilizing variant allele frequency, disease prevalence and penetrance estimates, and inheritance mode, an automated score was calculated to assess if this variant is too frequent to cause the disease. Based on the score and internal cut-off values, a variant classified as likely benign is not then subjected to further curation. The score for this variant resulted in a classification of likely benign for this disease.

Illumina Laboratory Services, Illumina
Classification: Likely benign for Charcot-Marie-Tooth disease type 4C. Last evaluated: 2018-01-13. Review status: criteria provided, single submitter. Criteria: ICSL Variant Classification Criteria 13 December 2019. Collection method: clinical testing. Allele origin: germline.
Comment: the same text as in the submission from Illumina Laboratory Services, Illumina above.

NM_024577.4(SH3TC2):c.*12637A>G

Gene: SH3TC2 (SH3 domain and tetratricopeptide repeats 2; minus strand). Cytogenetic location: 5q32.
Variant type: single nucleotide variant.
Coding change: c.*12637A>G on transcript NM_024577.4 (MANE Select); 12637 bases downstream of the stop codon, A replaced by G.
Molecular consequence: 3 prime UTR variant.
Genome position (GRCh38, 1-based): chr5:148,992,074, T>C on the plus strand (A>G on the coding strand, the complement: SH3TC2 is on the minus strand). VCF-style: chr5-148992074-T-C. GRCh37 (hg19) VCF-style: chr5-148371637-T-C.
Identifiers: ClinVar variation 351678 (VCV000351678.5), dbSNP rs536941130, ClinGen allele CA10620608.